The following is an entry in ClinVar:

ClinVar aggregate classification (germline): Conflicting classifications of pathogenicity. Review status: criteria provided, conflicting classifications (1 of 4 stars). 11 submissions from 11 submitters: Uncertain significance (8); Likely benign (2). 1 of the submissions does not count toward it. Last evaluated 2026-08-14.

Conditions:
Cardiovascular phenotype. Identifiers: MedGen CN230736.
Cardiac arrhythmia. Also called: Cardiac rhythm disease; Arrhythmia. Identifiers: MedGen C0003811, MONDO:0007263, HP:0011675.
Short QT syndrome type 1. Identifiers: Orphanet 51083, MedGen C1865020, MONDO:0012312, OMIM 609620.
Long QT syndrome 2 (LQT2). Identifiers: Orphanet 101016, Orphanet 768, MedGen C3150943, MONDO:0013367, OMIM 613688.
Long QT syndrome (LQTS). Identifiers: MedGen C0023976, MeSH D008133, MONDO:0002442. Disease mechanism: loss of function. Inheritance: Various modes of inheritance.

Allele frequency attached by ClinVar (database versions not stated): TOPMed 0.00006; gnomAD 0.00005; gnomAD exomes 0.00006.

Submissions (11):

GeneDx
Classification: Uncertain significance. Last evaluated: 2026-08-14. Review status: criteria provided, single submitter. Criteria: GeneDx Variant Classification Process June 2021. Collection method: clinical testing. Allele origin: germline.
Comment: In silico analysis suggests that this missense variant does not alter protein structure/function; This variant is associated with the following publications: (PMID: 19841300, 14661677, 11854117, 22949429, 31493592, 17161064, 23303164, 19926013, 10973849, 38426305)

Labcorp Genetics (formerly Invitae), Labcorp
Classification: Uncertain significance for Long QT syndrome. Last evaluated: 2025-12-19. Review status: criteria provided, single submitter. Criteria: Invitae Variant Classification Sherloc (09022015). Collection method: clinical testing. Allele origin: germline.
Comment: This sequence change replaces proline, which is neutral and non-polar, with leucine, which is neutral and non-polar, at codon 917 of the KCNH2 protein (p.Pro917Leu). The frequency data for this variant in the population databases is considered unreliable, as metrics indicate poor data quality at this position in the gnomAD database. This missense change has been observed in individual(s) with Long QT syndrome (PMID: 10973849, 11854117, 19926013). ClinVar contains an entry for this variant (Variation ID: 67432). An algorithm developed to predict the effect of missense changes on protein structure and function outputs the following: PolyPhen-2: "Benign". The leucine amino acid residue is found in multiple mammalian species, which suggests that this missense change does not adversely affect protein function. Experimental studies have shown that this missense change does not substantially affect KCNH2 function (PMID: 23303164). In summary, the available evidence is currently insufficient to determine the role of this variant in disease. Therefore, it has been classified as a Variant of Uncertain Significance.

All of Us Research Program, National Institutes of Health
Classification: Uncertain significance for Long QT syndrome. Last evaluated: 2024-08-06. Review status: criteria provided, single submitter. Criteria: ACMG Guidelines, 2015. Collection method: clinical testing. Allele origin: germline. Inheritance: Autosomal dominant inheritance. Observed: 9 variant alleles, 9 heterozygotes.
Comment: This missense variant replaces proline with leucine at codon 917 of the KCNH2 protein. Computational prediction is inconclusive regarding the impact of this variant on protein structure and function (internally defined REVEL score threshold 0.5 < inconclusive < 0.7, PMID: 27666373). Splice site prediction tools suggest that this variant may not impact RNA splicing. A functional study has shown that this variant does not alter the channel function in zebrafish cardiac assay (PMID: 23303164). This variant has been reported in two individuals affected with long QT syndrome (PMID: 10973849, 11854117), as well as in unaffected controls (PMID: 17161064, 19841300). This variant has been identified in 7/122966 chromosomes in the general population by the Genome Aggregation Database (gnomAD). The available evidence is insufficient to determine the role of this variant in disease conclusively. Therefore, this variant is classified as a Variant of Uncertain Significance.

This study involves interpretation of variants in research participants for the purpose of population health screening. Participant phenotype was not available at the time of variant classification. Additional details can be found in publication PMID: 35346344, PMCID: PMC8962531

Color Diagnostics, LLC DBA Color Health
Classification: Uncertain significance for Cardiac arrhythmia. Last evaluated: 2024-06-20. Review status: criteria provided, single submitter. Criteria: ACMG Guidelines, 2015. Collection method: clinical testing. Allele origin: germline.
Comment: This missense variant replaces proline with leucine at codon 917 of the KCNH2 protein. Computational prediction is inconclusive regarding the impact of this variant on protein structure and function (internally defined REVEL score threshold 0.5 < inconclusive < 0.7, PMID: 27666373). A functional study has shown that this variant does not alter the channel function in zebrafish cardiac assay (PMID: 23303164). This variant has been reported in two individuals affected with long QT syndrome (PMID: 10973849, 11854117), as well as in unaffected controls (PMID: 17161064, 19841300). This variant has been identified in 7/122966 chromosomes in the general population by the Genome Aggregation Database (gnomAD). The available evidence is insufficient to determine the role of this variant in disease conclusively. Therefore, this variant is classified as a Variant of Uncertain Significance.

Blueprint Genetics
Classification: Likely benign. Last evaluated: 2022-03-03. Review status: criteria provided, single submitter. Criteria: ACMG Guidelines, 2015. Collection method: clinical testing. Allele origin: germline.

Fulgent Genetics
Classification: Uncertain significance for Short QT syndrome type 1; Long QT syndrome 2. Last evaluated: 2021-08-04. Review status: criteria provided, single submitter. Criteria: ACMG Guidelines, 2015. Collection method: clinical testing. Allele origin: unknown.

Women's Health and Genetics/Laboratory Corporation of America, LabCorp
Classification: Uncertain significance. Last evaluated: 2020-06-15. Review status: criteria provided, single submitter. Criteria: LabCorp Variant Classification Summary - May 2015. Collection method: clinical testing. Allele origin: germline.
Comment: Variant summary: KCNH2 c.2750C>T (p.Pro917Leu) results in a non-conservative amino acid change in the encoded protein sequence. Three of five in-silico tools predict a benign effect of the variant on protein function. The variant allele was found at a frequency of 8e-05 in 124454 control chromosomes. This frequency is not significantly higher than expected for a pathogenic variant in KCNH2 causing Arrhythmia (8e-05 vs 0.0001), allowing no conclusion about variant significance. c.2750C>T has been reported in the literature in individuals affected with Arrhythmia (Splawski_2000, Moss_2002, Shimizu_2009). These report(s) do not provide unequivocal conclusions about association of the variant with Arrhythmia. At least one publication reports experimental evidence evaluating an impact on protein function. These results showed no damaging effect of this variant (Jou_2013). Five clinical diagnostic laboratories have submitted clinical-significance assessments for this variant to ClinVar after 2014 without evidence for independent evaluation (likely benign n=1, VUS n=4). Based on the evidence outlined above, the variant was classified as VUS-possibly benign.

Ambry Genetics
Classification: Likely benign for Cardiovascular phenotype. Last evaluated: 2018-07-11. Review status: criteria provided, single submitter. Criteria: Ambry Variant Classification Scheme 2023. Collection method: clinical testing. Allele origin: germline.

Illumina Laboratory Services, Illumina
Classification: Uncertain significance for Long QT syndrome 2. Last evaluated: 2017-04-27. Review status: criteria provided, single submitter. Criteria: ICSL Variant Classification Criteria 13 December 2019. Collection method: clinical testing. Allele origin: germline.
Comment: This variant was observed as part of a predisposition screen in an ostensibly healthy population. A literature search was performed for the gene, cDNA change, and amino acid change (where applicable). Publications were found based on this search. However, the evidence from the literature, in combination with allele frequency data from public databases where available, was not sufficient to rule this variant in or out of causing disease. Therefore, this variant is classified as a variant of unknown significance.

Laboratory for Molecular Medicine, Mass General Brigham Personalized Medicine
Classification: Uncertain significance. Last evaluated: 2016-06-23. Review status: criteria provided, single submitter. Criteria: LMM Criteria. Collection method: clinical testing. Allele origin: germline.
Comment: Variant identified in a genome or exome case(s) and assessed due to predicted null impact of the variant or pathogenic assertions in the literature or databases. Disclaimer: This variant has not undergone full assessment. The following are preliminary notes: Reported in 2 probands but also found in controls - Multiple reports question pathogenicity; ClinVar: 2 VUS

Cardiovascular Biomedical Research Unit, Royal Brompton & Harefield NHS Foundation Trust
No classification provided. Review status: no classification provided. Collection method: literature only. Allele origin: germline. Not counted in ClinVar's aggregate classification.
Comment: This variant has been reported in the following publications (PMID:10973849;PMID:11854117;PMID:14661677;PMID:17161064;PMID:19841300).

Literature cited by the submitters: PubMed 10973849 (cited by 6 submitters); PubMed 11854117 (cited by 6 submitters); PubMed 19926013 (cited by Labcorp Genetics (formerly Invitae), Labcorp and Women's Health and Genetics/Laboratory Corporation of America, LabCorp); PubMed 23303164 (cited by 5 submitters); PubMed 17161064 (cited by 4 submitters); PubMed 19841300 (cited by 4 submitters); PubMed 14661677 (cited by 3 submitters); PubMed 2294929 (cited by Illumina Laboratory Services, Illumina); PubMed 22581653 (cited by Cardiovascular Biomedical Research Unit, Royal Brompton & Harefield NHS Foundation Trust).

NM_000238.4(KCNH2):c.2750C>T (p.Pro917Leu)

Gene: KCNH2 (potassium voltage-gated channel subfamily H member 2; minus strand). Cytogenetic location: 7q36.1.
Variant type: single nucleotide variant.
Coding change: c.2750C>T on transcript NM_000238.4 (MANE Select); coding-DNA position 2750, C replaced by T.
Protein change: p.Pro917Leu; replaces proline 917 with leucine.
Molecular consequence: missense variant.
Genome position (GRCh38, 1-based): chr7:150,947,821, G>A on the plus strand (C>T on the coding strand, the complement: KCNH2 is on the minus strand). VCF-style: chr7-150947821-G-A. GRCh37 (hg19) VCF-style: chr7-150644909-G-A.
Other names: p.P917L:CCG>CTG; c.2750C>T (LRG_288t1); c.2462C>T, p.Pro821Leu (NM_001406753.1); c.1730C>T, p.Pro577Leu (NM_172057.3); short protein forms P577L, P917L, P821L.
Identifiers: ClinVar variation 67432 (VCV000067432.42), dbSNP rs76420733, ClinGen allele CA007286.